The following is an entry in ClinVar:

ClinVar aggregate classification (germline): Benign/Likely benign. Review status: criteria provided, multiple submitters, no conflicts (2 of 4 stars). 2 submissions from 2 submitters: Benign (1); Likely benign (1). Last evaluated 2026-08-01.

Allele frequency attached by ClinVar (database versions not stated): 1000 Genomes Project 0.00100; ESP Exome Variant Server 0.00103; gnomAD 0.00133 and 0.00147; TOPMed 0.00139; 1000 Genomes Project 30x 0.00156; gnomAD exomes 0.00171; ExAC 0.00262.
gnomAD v4.1: 2,068 of 1,499,790 alleles (0.14%); highest among the groups gnomAD compares: Middle Eastern, 1.1%; 12 homozygotes.

Submissions (2):

CeGaT Center for Human Genetics Tuebingen
Classification: Likely benign. Last evaluated: 2026-08-01. Review status: criteria provided, single submitter. Criteria: CeGaT Center For Human Genetics Tuebingen Variant Classification Criteria Version 2. Collection method: clinical testing. Allele origin: germline. Affected: yes. Observed: 21 variant alleles.
Comment: DEAF1: BP4, BP7, BS2

Labcorp Genetics (formerly Invitae), Labcorp
Classification: Benign. Last evaluated: 2026-02-02. Review status: criteria provided, single submitter. Criteria: Invitae Variant Classification Sherloc (09022015). Collection method: clinical testing. Allele origin: germline.

NM_021008.4(DEAF1):c.162G>C (p.Ser54=)

Gene: DEAF1 (DEAF1 transcription factor; minus strand). Cytogenetic location: 11p15.5.
Variant type: single nucleotide variant.
Coding change: c.162G>C on transcript NM_021008.4 (MANE Select); coding-DNA position 162, G replaced by C.
Protein change: p.Ser54=; no amino-acid change (serine 54 retained).
Molecular consequence: synonymous variant. On other transcripts: intron variant (1).
Genome position (GRCh38, 1-based): chr11:694,886, C>G on the plus strand (G>C on the coding strand, the complement: DEAF1 is on the minus strand). VCF-style: chr11-694886-C-G. GRCh37 (hg19) VCF-style: chr11-694886-C-G.
Other names: c.162G>C, p.Ser54= (NM_001293634.2); c.-437-3288G>C (NM_001367390.1).
Identifiers: ClinVar variation 772998 (VCV000772998.49), dbSNP rs141389829, ClinGen allele CA5786637.